The following is an entry in ClinVar:

NM_002335.4(LRP5):c.65T>C (p.Leu22Pro)

Gene: LRP5 (LDL receptor related protein 5; plus strand). Cytogenetic location: 11q13.2.
Variant type: single nucleotide variant.
Coding change: c.65T>C on transcript NM_002335.4 (MANE Select); coding-DNA position 65, T replaced by C.
Protein change: p.Leu22Pro; replaces leucine 22 with proline.
Molecular consequence: missense variant. On other transcripts: 5 prime UTR variant (1).
Genome position (GRCh38, 1-based): chr11:68,312,779, T>C. VCF-style: chr11-68312779-T-C. GRCh37 (hg19) VCF-style: chr11-68080247-T-C.
Other names: c.-1701T>C (NM_001291902.2); short protein forms L22P.
Identifiers: ClinVar variation 2101541 (VCV002101541.4), dbSNP rs2496192099, ClinGen allele CA381607514.
Genomic context (GRCh38, chr11:68,312,779, plus strand): 5'-AGGCAGCGCCGCCCGGGCCGCCGTGGCCGCTGCTGCTGCTGCTGCTGCTGCTGCTGGCGC[T>C]GTGCGGCTGCCCGGCCCCCGCCGCGGGTAGGTGGGCGCAGGCCGGCCGGGGGCCGCGGGT-3'
Protein context (NP_002326.2, residues 12-32): LLLLLLLLLA[Leu22Pro]CGCPAPAAAS

ClinVar aggregate classification (germline): Uncertain significance (1 of 4 stars; one submission).

Allele frequency attached by ClinVar (database versions not stated): gnomAD exomes 0.00001.
gnomAD v4.1: 1 of 1,081,682 alleles (0.000092%); no homozygotes.

Submission:

Labcorp Genetics (formerly Invitae), Labcorp
Classification: Uncertain significance. Last evaluated: 2022-04-12. Review status: criteria provided, single submitter. Criteria: Invitae Variant Classification Sherloc (09022015). Collection method: clinical testing. Allele origin: germline.
Comment: In summary, the available evidence is currently insufficient to determine the role of this variant in disease. Therefore, it has been classified as a Variant of Uncertain Significance. Advanced modeling of protein sequence and biophysical properties (such as structural, functional, and spatial information, amino acid conservation, physicochemical variation, residue mobility, and thermodynamic stability) performed at Invitae indicates that this missense variant is not expected to disrupt LRP5 protein function. This variant has not been reported in the literature in individuals affected with LRP5-related conditions. This variant is not present in population databases (gnomAD no frequency). This sequence change replaces leucine, which is neutral and non-polar, with proline, which is neutral and non-polar, at codon 22 of the LRP5 protein (p.Leu22Pro).